The following is an entry in ClinVar:

ClinVar aggregate classification (germline): Likely pathogenic (1 of 4 stars; one submission).

Conditions:
TTN-related disorder. Also called: TTN-related condition; TTN-related disease; TTN-related disorders.

Submission:

PreventionGenetics, part of Exact Sciences
Classification: Likely pathogenic for TTN-related condition. Last evaluated: 2022-08-23. Review status: criteria provided, single submitter. Criteria: ACMG Guidelines, 2015. Collection method: clinical testing. Allele origin: germline.
Comment: The TTN c.16621_16621+45del46 variant is predicted to result in a deletion affecting a canonical splice site. which is predicted to disrupt the GT donor site and interfere with normal splicing. To our knowledge, this variant has not been reported in the literature or in a large population database, indicating this variant is rare. This variant is located in the TTN protein I-band region. A different splice variant at this exon/intron boundary (c.16621+1G>T) has been reported in the compound heterozygous state in an individual with autosomal recessive congenital titinopathy (see Pt 19 in Supp Table 1 in Oates EC et al. 2018. PubMed ID: 29691892). RNAseq studies from heart tissue indicate this exon is not commonly included in TTN mRNA transcripts (PSI of 7%-16%); however, this analysis in muscle tissue was not performed (Roberts A.M. et al. 2015. PMID: 25589632). TTN truncating variants in the heterozygous state are reported in 1-2% of presumably healthy individuals and occur more frequently in exons with low PSI values, indicating this variant is less likely to cause TTN-related cardiac disorders (Roberts A.M. et al. 2015. PMID: 25589632; Herman D.S. et al. 2012. PMID: 22335739). However, many cases of recessive congenital titinopathies in which the individual is compound heterozygous for two loss of function variants in TTN have also been reported (See Ceyhan-Birsoy O. et al. 2013. PMID: 23975875; Chauveau C et al. 2014. PMID: 24105469; Evilä A et al. 2016. PMID: 27796757; Ge et al. 2019. PubMed ID: 31053406; Bryen et al. 2020. PubMed ID: 31660661). In summary, this variant is likely pathogenic for autosomal recessive TTN-related disorders.

NM_001267550.2(TTN):c.16621_16621+45del

Gene: TTN (titin; minus strand). Cytogenetic location: 2q31.2.
Variant type: Deletion.
Coding change: c.16621_16621+45del on transcript NM_001267550.2 (MANE Select); coding-DNA position 16621 through 45 bases into the intron after coding-DNA position 16621, 46 bases deleted.
Molecular consequence: splice donor variant. On other transcripts: intron variant (3).
Genome position (GRCh38, 1-based): chr2:178,732,395-178,732,440, 46 bases deleted; deleting any 46 consecutive bases within chr2:178,732,395-178,732,443 gives the same sequence; the c. name uses the placement nearest the transcript's 3' end. GRCh37 (hg19): chr2:179,597,125-179,597,170.
Other names: c.13282+5642_13282+5687del (NM_003319.4); c.13858+5642_13858+5687del (NM_133437.4); c.13657+5642_13657+5687del (NM_133432.3); c.12889_12889+45del (NM_133378.4); c.15670_15670+45del (NM_001256850.1); c.16621_16621+45del46 (NM_001267550.2).
Identifiers: ClinVar variation 2636333 (VCV002636333.1), dbSNP rs2530126061, ClinGen allele CA2662154597.